The following is an entry in ClinVar:

ClinVar aggregate classification (germline): Pathogenic (1 of 4 stars; one submission).

Conditions:
Peroxisome biogenesis disorder 7A (Zellweger). Also called: Peroxisome biogenesis disorder 7A. Identifiers: Orphanet 912, MedGen C3888385, MONDO:0013938, OMIM 614872.
Peroxisome biogenesis disorder 7B (PBD7B). Identifiers: Orphanet 44, MedGen C3553951, MONDO:0013939, OMIM 614873.

Submission:

Labcorp Genetics (formerly Invitae), Labcorp
Classification: Pathogenic for Peroxisome biogenesis disorder 7A (Zellweger); Peroxisome biogenesis disorder 7B. Last evaluated: 2023-06-15. Review status: criteria provided, single submitter. Criteria: Invitae Variant Classification Sherloc (09022015). Collection method: clinical testing. Allele origin: germline.
Comment: This premature translational stop signal has been observed in individual(s) with Zellweger spectrum disorder (PMID: 21031596). For these reasons, this variant has been classified as Pathogenic. This variant is not present in population databases (gnomAD no frequency). This sequence change creates a premature translational stop signal (p.Val25Argfs*55) in the PEX26 gene. It is expected to result in an absent or disrupted protein product. Loss-of-function variants in PEX26 are known to be pathogenic (PMID: 12851857, 21031596).

Literature cited by the submitters: PubMed 21031596; PubMed 12851857.

NM_001127649.3(PEX26):c.73_79del (p.Val25fs)

Gene: PEX26 (peroxisomal biogenesis factor 26; plus strand). Cytogenetic location: 22q11.21.
Variant type: Deletion.
Coding change: c.73_79del on transcript NM_001127649.3 (MANE Select); coding-DNA positions 73 to 79, 7 bases deleted (GTGCGCG; older notation c.73_79delGTGCGCG).
Protein change: p.Val25fs; shifts the reading frame from valine 25.
Molecular consequence: frameshift variant.
Genome position (GRCh38, 1-based): chr22:18,078,449-18,078,455, GTGCGCG deleted; deleting any 7 consecutive bases within chr22:18,078,447-18,078,455 gives the same sequence; the c. name uses the placement nearest the transcript's 3' end. VCF-style (leftmost placement, unchanged base first): chr22-18078446-CCGGTGCG-C. GRCh37 (hg19) VCF-style: chr22-18561212-CCGGTGCG-C.
Other names: c.73_79del, p.Val25fs (NM_001199319.2, NM_017929.6); short protein forms V25fs.
Identifiers: ClinVar variation 2925655 (VCV002925655.3), dbSNP rs2517663308, ClinGen allele CA2695230397.